The following is an entry in ClinVar:

NM_024642.5(GALNT12):c.1207C>T (p.Arg403Cys)

Gene: GALNT12 (polypeptide N-acetylgalactosaminyltransferase 12; plus strand). Cytogenetic location: 9q22.33.
Variant type: single nucleotide variant.
Coding change: c.1207C>T on transcript NM_024642.5 (MANE Select); coding-DNA position 1207, C replaced by T.
Protein change: p.Arg403Cys; replaces arginine 403 with cysteine.
Molecular consequence: missense variant.
Genome position (GRCh38, 1-based): chr9:98,837,143, C>T. VCF-style: chr9-98837143-C-T. GRCh37 (hg19) VCF-style: chr9-101599425-C-T.
Other names: short protein forms R403C.
Identifiers: ClinVar variation 485660 (VCV000485660.11), dbSNP rs201499778, ClinGen allele CA5154185.

ClinVar aggregate classification (germline): Uncertain significance. Review status: criteria provided, multiple submitters, no conflicts (2 of 4 stars). 2 submissions from 2 submitters: Uncertain significance (2). Last evaluated 2025-04-03.

Allele frequency attached by ClinVar (database versions not stated): gnomAD exomes 0.00001 and 0.00003; gnomAD 0.00002 and 0.00004; TOPMed 0.00002; ExAC 0.00003; 1000 Genomes Project 30x 0.00047; 1000 Genomes Project 0.00060.

Submissions (2):

Labcorp Genetics (formerly Invitae), Labcorp
Classification: Uncertain significance. Last evaluated: 2025-04-03. Review status: criteria provided, single submitter. Criteria: Invitae Variant Classification Sherloc (09022015). Collection method: clinical testing. Allele origin: germline.
Comment: This sequence change replaces arginine, which is basic and polar, with cysteine, which is neutral and slightly polar, at codon 403 of the GALNT12 protein (p.Arg403Cys). This variant is present in population databases (rs201499778, gnomAD 0.01%). This variant has not been reported in the literature in individuals affected with GALNT12-related conditions. ClinVar contains an entry for this variant (Variation ID: 485660). Invitae Evidence Modeling of protein sequence and biophysical properties (such as structural, functional, and spatial information, amino acid conservation, physicochemical variation, residue mobility, and thermodynamic stability) indicates that this missense variant is expected to disrupt GALNT12 protein function with a positive predictive value of 80%. In summary, the available evidence is currently insufficient to determine the role of this variant in disease. Therefore, it has been classified as a Variant of Uncertain Significance.

Ambry Genetics
Classification: Uncertain significance. Last evaluated: 2024-11-22. Review status: criteria provided, single submitter. Criteria: Ambry Variant Classification Scheme 2023. Collection method: clinical testing. Allele origin: germline.
Comment: The p.R403C variant (also known as c.1207C>T), located in coding exon 6 of the GALNT12 gene, results from a C to T substitution at nucleotide position 1207. The arginine at codon 403 is replaced by cysteine, an amino acid with highly dissimilar properties. This amino acid position is highly conserved in available vertebrate species. In addition, this alteration is predicted to be deleterious by in silico analysis. Since supporting evidence is limited at this time, the clinical significance of this alteration remains unclear.